The following is an entry in ClinVar:

ClinVar aggregate classification (germline): Pathogenic (1 of 4 stars; one submission).

Conditions:
Ehlers-Danlos syndrome, classic type, 1 (EDSCL1). Also called: EHLERS-DANLOS SYNDROME, GRAVIS TYPE; EHLERS-DANLOS SYNDROME, SEVERE CLASSIC TYPE; Ehlers-Danlos syndrome, type 1; Ehlers-Danlos Syndrome, Classic Type, COL5A1-Related; EDS I. Identifiers: MedGen C0268335, MONDO:0019567, OMIM 130000.

Submission:

MVZ Medizinische Genetik Mainz
Classification: Pathogenic for Ehlers-Danlos syndrome, classic type, 1. Last evaluated: 2024-02-21. Review status: criteria provided, single submitter. Criteria: UK Practice Guidelines For Variant Classification V4 01 2020. Collection method: clinical testing. Allele origin: germline. Inheritance: Autosomal dominant inheritance. Affected: yes. Observed: 1 variant allele.
Comment: ACMG Criteria: PVS1,PM2_SUP,PP4

NM_000093.5(COL5A1):c.1020C>A (p.Tyr340Ter)

Gene: COL5A1 (collagen type V alpha 1 chain; plus strand). Cytogenetic location: 9q34.3.
Variant type: single nucleotide variant.
Coding change: c.1020C>A on transcript NM_000093.5 (MANE Select); coding-DNA position 1020, C replaced by A.
Protein change: p.Tyr340Ter; replaces tyrosine 340 with a stop codon.
Molecular consequence: nonsense.
Genome position (GRCh38, 1-based): chr9:134,730,331, C>A. VCF-style: chr9-134730331-C-A. GRCh37 (hg19) VCF-style: chr9-137622177-C-A.
Other names: c.1020C>A, p.Tyr340Ter (NM_001278074.1); short protein forms Y340*.
Identifiers: ClinVar variation 3236351 (VCV003236351.1), dbSNP rs1202896735, ClinGen allele CA375449510.